The following is an entry in ClinVar:

ClinVar aggregate classification (germline): Uncertain significance (1 of 4 stars; one submission).

Allele frequency attached by ClinVar (database versions not stated): gnomAD exomes 0.00001 and 0.00004; ExAC 0.00002; TOPMed 0.00002.
gnomAD v4.1: 9 of 1,513,382 alleles (0.00059%); highest among the groups gnomAD compares: Admixed American, 0.016%; no homozygotes.

Submission:

Labcorp Genetics (formerly Invitae), Labcorp
Classification: Uncertain significance. Last evaluated: 2022-07-19. Review status: criteria provided, single submitter. Criteria: Invitae Variant Classification Sherloc (09022015). Collection method: clinical testing. Allele origin: germline.
Comment: In summary, the available evidence is currently insufficient to determine the role of this variant in disease. Therefore, it has been classified as a Variant of Uncertain Significance. Algorithms developed to predict the effect of missense changes on protein structure and function are either unavailable or do not agree on the potential impact of this missense change (SIFT: "Deleterious"; PolyPhen-2: "Possibly Damaging"; Align-GVGD: "Class C15"). ClinVar contains an entry for this variant (Variation ID: 1365619). This variant has not been reported in the literature in individuals affected with GUCY2C-related conditions. This variant is present in population databases (rs757682446, gnomAD 0.03%). This sequence change replaces glycine, which is neutral and non-polar, with cysteine, which is neutral and slightly polar, at codon 426 of the GUCY2C protein (p.Gly426Cys).

NM_004963.4(GUCY2C):c.1276G>T (p.Gly426Cys)

Genes: GUCY2C (guanylate cyclase 2C; minus strand), GUCY2C-AS1 (GUCY2C antisense RNA 1; plus strand). Cytogenetic location: 12p12.3.
Variant type: single nucleotide variant.
Coding change: c.1276G>T on transcript NM_004963.4 (MANE Select); coding-DNA position 1276, G replaced by T.
Protein change: p.Gly426Cys; replaces glycine 426 with cysteine.
Molecular consequence: missense variant.
Genome position (GRCh38, 1-based): chr12:14,669,728, C>A on the plus strand (G>T on the coding strand, the complement: GUCY2C is on the minus strand). VCF-style: chr12-14669728-C-A. GRCh37 (hg19) VCF-style: chr12-14822662-C-A.
Other names: short protein forms G426C.
Identifiers: ClinVar variation 1365619 (VCV001365619.6), dbSNP rs757682446, ClinGen allele CA6463487.